The following is an entry in ClinVar:

ClinVar aggregate classification (germline): Uncertain significance (1 of 4 stars; one submission).

Conditions:
MHC class II deficiency. Also called: Bare lymphocyte syndrome 2; BLS, TYPE II. Identifiers: Orphanet 572, MedGen C5447452, MONDO:0008855.

Allele frequency attached by ClinVar (database versions not stated): gnomAD exomes below 0.00001; ExAC 0.00002.
gnomAD v4.1: 5 of 1,613,582 alleles (0.00031%); highest among the groups gnomAD compares: Non-Finnish European, 0.00042%; no homozygotes.

Submission:

Labcorp Genetics (formerly Invitae), Labcorp
Classification: Uncertain significance for MHC class II deficiency. Last evaluated: 2022-06-15. Review status: criteria provided, single submitter. Criteria: Invitae Variant Classification Sherloc (09022015). Collection method: clinical testing. Allele origin: germline.
Comment: This sequence change replaces glutamic acid, which is acidic and polar, with aspartic acid, which is acidic and polar, at codon 659 of the CIITA protein (p.Glu659Asp). This variant is present in population databases (rs759343661, gnomAD 0.002%). This variant has not been reported in the literature in individuals affected with CIITA-related conditions. Algorithms developed to predict the effect of missense changes on protein structure and function (SIFT, PolyPhen-2, Align-GVGD) all suggest that this variant is likely to be tolerated. In summary, the available evidence is currently insufficient to determine the role of this variant in disease. Therefore, it has been classified as a Variant of Uncertain Significance.

NM_000246.4(CIITA):c.1977G>T (p.Glu659Asp)

Gene: CIITA (class II major histocompatibility complex transactivator; plus strand). Cytogenetic location: 16p13.13.
Variant type: single nucleotide variant.
Coding change: c.1977G>T on transcript NM_000246.4 (MANE Select); coding-DNA position 1977, G replaced by T.
Protein change: p.Glu659Asp; replaces glutamic acid 659 with aspartic acid.
Molecular consequence: missense variant. On other transcripts: intron variant (1).
Genome position (GRCh38, 1-based): chr16:10,907,469, G>T. VCF-style: chr16-10907469-G-T. GRCh37 (hg19) VCF-style: chr16-11001326-G-T.
Other names: c.1980G>T, p.Glu660Asp (NM_001286402.1, NM_001379332.1); c.1833G>T, p.Glu611Asp (NM_001379330.1); c.1830G>T, p.Glu610Asp (NM_001379331.1); c.1977G>T, p.Glu659Asp (NM_001379333.1); c.1908G>T, p.Glu636Asp (NM_001379334.1); c.860-1514G>T (NM_001286403.2); short protein forms E611D, E659D, E610D, E636D, E660D.
Identifiers: ClinVar variation 1979375 (VCV001979375.1), dbSNP rs759343661, ClinGen allele CA7900262.